The following is an entry in ClinVar:

ClinVar aggregate classification (germline): Uncertain significance (1 of 4 stars; one submission).

Submission:

CeGaT Center for Human Genetics Tuebingen
Classification: Uncertain significance. Last evaluated: 2023-10-01. Review status: criteria provided, single submitter. Criteria: CeGaT Center For Human Genetics Tuebingen Variant Classification Criteria Version 2. Collection method: clinical testing. Allele origin: germline. Affected: yes. Observed: 1 variant allele.
Comment: EEF1A2: PM2, PP2

NM_001958.5(EEF1A2):c.829G>T (p.Val277Leu)

Gene: EEF1A2 (eukaryotic translation elongation factor 1 alpha 2; minus strand). Cytogenetic location: 20q13.33.
Variant type: single nucleotide variant.
Coding change: c.829G>T on transcript NM_001958.5 (MANE Select); coding-DNA position 829, G replaced by T.
Protein change: p.Val277Leu; replaces valine 277 with leucine.
Molecular consequence: missense variant.
Genome position (GRCh38, 1-based): chr20:63,490,679, C>A on the plus strand (G>T on the coding strand, the complement: EEF1A2 is on the minus strand). VCF-style: chr20-63490679-C-A. GRCh37 (hg19) VCF-style: chr20-62122032-C-A.
Other names: short protein forms V277L.
Identifiers: ClinVar variation 2652540 (VCV002652540.24), dbSNP rs2516775453, ClinGen allele CA409647920.